The following is an entry in ClinVar:

ClinVar aggregate classification (germline): Uncertain significance (1 of 4 stars; one submission).

Conditions:
Familial cancer of breast. Also called: hereditary breast carcinoma; Hereditary breast cancer; BREAST CANCER, FAMILIAL. Identifiers: Orphanet 227535, MedGen C0346153, MONDO:0016419, OMIM 114480. Disease mechanism: loss of function.

Allele frequency attached by ClinVar (database versions not stated): gnomAD exomes below 0.00001.
gnomAD v4.1: 1 of 1,614,164 alleles (0.000062%); highest among the groups gnomAD compares: Non-Finnish European, 0.000085%; no homozygotes.

Submission:

Labcorp Genetics (formerly Invitae), Labcorp
Classification: Uncertain significance for Familial cancer of breast. Last evaluated: 2019-10-30. Review status: criteria provided, single submitter. Criteria: Invitae Variant Classification Sherloc (09022015). Collection method: clinical testing. Allele origin: germline.
Comment: This sequence change replaces arginine with serine at codon 335 of the BARD1 protein (p.Arg335Ser). The arginine residue is moderately conserved and there is a moderate physicochemical difference between arginine and serine. This variant is not present in population databases (ExAC no frequency). This variant has not been reported in the literature in individuals with BARD1-related conditions. Algorithms developed to predict the effect of missense changes on protein structure and function output the following: SIFT: "Tolerated"; PolyPhen-2: "Benign"; Align-GVGD: "Class C0". The serine amino acid residue is found in multiple mammalian species, suggesting that this missense change does not adversely affect protein function. These predictions have not been confirmed by published functional studies and their clinical significance is uncertain. In summary, the available evidence is currently insufficient to determine the role of this variant in disease. Therefore, it has been classified as a Variant of Uncertain Significance.

NM_000465.4(BARD1):c.1005A>C (p.Arg335Ser)

Gene: BARD1 (BRCA1 associated RING domain 1; minus strand). Cytogenetic location: 2q35.
Variant type: single nucleotide variant.
Coding change: c.1005A>C on transcript NM_000465.4 (MANE Select); coding-DNA position 1005, A replaced by C.
Protein change: p.Arg335Ser; replaces arginine 335 with serine.
Molecular consequence: missense variant. On other transcripts: non-coding transcript variant (2), intron variant (3).
Genome position (GRCh38, 1-based): chr2:214,780,869, T>G on the plus strand (A>C on the coding strand, the complement: BARD1 is on the minus strand). VCF-style: chr2-214780869-T-G. GRCh37 (hg19) VCF-style: chr2-215645593-T-G.
Other names: c.948A>C, p.Arg316Ser (NM_001282543.2); c.159-28314A>C (NM_001282548.2); c.215+16192A>C (NM_001282545.2); c.364+11428A>C (NM_001282549.2); short protein forms R335S, R316S.
Identifiers: ClinVar variation 969235 (VCV000969235.10), dbSNP rs1574818013, ClinGen allele CA350454412.